The following is an entry in ClinVar:

ClinVar aggregate classification (germline): Uncertain significance (0 of 4 stars; one submission).

Conditions:
Congenital isolated adrenocorticotropic hormone deficiency. Also called: ACTH DEFICIENCY, ISOLATED; ACTH deficiency; Adrenocorticotropic hormone deficiency. Identifiers: Orphanet 199296, MedGen C0342388, MONDO:0008720, OMIM 201400, HP:0011748.

Allele frequency attached by ClinVar (database versions not stated): gnomAD exomes below 0.00001; ExAC 0.00001; gnomAD 0.00001; TOPMed 0.00002.

Submission:

Clinical Molecular Genetics Laboratory, Johns Hopkins All Children's Hospital
Classification: Uncertain significance for Congenital isolated adrenocorticotropic hormone deficiency. Last evaluated: 2011-09-07. Review status: no assertion criteria provided. Collection method: clinical testing. Allele origin: germline. Affected: yes.
Comment: observed in trans with c.782delA

NM_005149.3(TBX19):c.916+2T>G

Gene: TBX19 (T-box transcription factor 19; plus strand). Cytogenetic location: 1q24.2.
Variant type: single nucleotide variant.
Coding change: c.916+2T>G on transcript NM_005149.3 (MANE Select); the canonical splice donor site of the intron after coding-DNA position 916, T replaced by G.
Molecular consequence: splice donor variant.
Genome position (GRCh38, 1-based): chr1:168,305,198, T>G. VCF-style: chr1-168305198-T-G. GRCh37 (hg19) VCF-style: chr1-168274436-T-G.
Identifiers: ClinVar variation 560676 (VCV000560676.1), dbSNP rs763382655, ClinGen allele CA1230687.
Genomic context (GRCh38, chr1:168,305,198, plus strand): 5'-AGGACACCGGCAGGCTCCCTACCCTTCTGCGTACATGCACAGAAACCATTCTCCCTCAGG[T>G]CTGTGACTCTGCTGATTAAACCCTTGGGGTATGGGCTGGGGTGGGGGCAGTCAGGAGAAA-3'